The following is an entry in ClinVar:

NM_001042616.3(PIGY):c.151A>G (p.Ile51Val)

Genes: PIGY (phosphatidylinositol glycan anchor biosynthesis class Y; minus strand), PYURF (PIGY upstream open reading frame; minus strand). Cytogenetic location: 4q22.1.
Variant type: single nucleotide variant.
Coding change: c.151A>G on transcript NM_001042616.3 (MANE Select); coding-DNA position 151, A replaced by G.
Protein change: p.Ile51Val; replaces isoleucine 51 with valine.
Molecular consequence: missense variant. On other transcripts: 3 prime UTR variant (1).
Genome position (GRCh38, 1-based): chr4:88,521,639, T>C on the plus strand (A>G on the coding strand, the complement: PIGY is on the minus strand). VCF-style: chr4-88521639-T-C. GRCh37 (hg19) VCF-style: chr4-89442790-T-C.
Other names: c.*249A>G (NM_032906.5); short protein forms I51V.
Identifiers: ClinVar variation 1031009 (VCV001031009.7), dbSNP rs201457617, ClinGen allele CA3007116.

ClinVar aggregate classification (germline): Uncertain significance. Review status: criteria provided, multiple submitters, no conflicts (2 of 4 stars). 2 submissions from 2 submitters: Uncertain significance (2). Last evaluated 2025-10-13.

Conditions:
Hyperphosphatasia with impaired intellectual development syndrome 6. Also called: Hyperphosphatasia with intellectual disability syndrome 6; GLYCOSYLPHOSPHATIDYLINOSITOL BIOSYNTHESIS DEFECT 12. Identifiers: Orphanet 247262, MedGen C4225201, MONDO:0014780, OMIM 616809.

Allele frequency attached by ClinVar (database versions not stated): ExAC 0.00017; TOPMed 0.00018; gnomAD exomes 0.00017; ESP Exome Variant Server 0.00016; gnomAD 0.00017 and 0.00018.

Submissions (2):

Labcorp Genetics (formerly Invitae), Labcorp
Classification: Uncertain significance. Last evaluated: 2025-10-13. Review status: criteria provided, single submitter. Criteria: Invitae Variant Classification Sherloc (09022015). Collection method: clinical testing. Allele origin: germline.
Comment: This sequence change replaces isoleucine, which is neutral and non-polar, with valine, which is neutral and non-polar, at codon 51 of the PIGY protein (p.Ile51Val). This variant is present in population databases (rs201457617, gnomAD 0.03%). This variant has not been reported in the literature in individuals affected with PIGY-related conditions. ClinVar contains an entry for this variant (Variation ID: 1031009). An algorithm developed to predict the effect of missense changes on protein structure and function outputs the following: PolyPhen-2: "Benign". The valine amino acid residue is found in multiple mammalian species, which suggests that this missense change does not adversely affect protein function. In summary, the available evidence is currently insufficient to determine the role of this variant in disease. Therefore, it has been classified as a Variant of Uncertain Significance.

Baylor Genetics
Classification: Uncertain significance for Hyperphosphatasia with impaired intellectual development syndrome 6. Last evaluated: 2019-03-02. Review status: criteria provided, single submitter. Criteria: ACMG Guidelines, 2015. Collection method: clinical testing. Allele origin: paternal. Affected: yes.
Comment: This variant was determined to be of uncertain significance according to ACMG Guidelines, 2015 [PMID:25741868].